The following is an entry in ClinVar:

ClinVar aggregate classification (germline): Uncertain significance (1 of 4 stars; one submission).

Allele frequency attached by ClinVar (database versions not stated): gnomAD exomes below 0.00001.
gnomAD v4.1: 2 of 1,614,106 alleles (0.00012%); highest among the groups gnomAD compares: East Asian, 0.0022%; no homozygotes.

Submission:

Laboratory for Molecular Medicine, Mass General Brigham Personalized Medicine
Classification: Uncertain significance. Last evaluated: 2016-06-17. Review status: criteria provided, single submitter. Criteria: LMM Criteria. Collection method: clinical testing. Allele origin: germline. Observed: 1 variant allele.
Comment: The p.Asn267Ser variant in P2RX2 has not been previously reported in individuals with hearing loss and is absent from large population studies. Computational pr ediction tools and conservation analysis do not provide strong support for or ag ainst an impact to the protein. In summary, the clinical significance of the p.A sn267Ser variant is uncertain.

NM_170682.4(P2RX2):c.800A>G (p.Asn267Ser)

Gene: P2RX2 (purinergic receptor P2X 2; plus strand). Cytogenetic location: 12q24.33.
Variant type: single nucleotide variant.
Coding change: c.800A>G on transcript NM_170682.4 (MANE Select); coding-DNA position 800, A replaced by G.
Protein change: p.Asn267Ser; replaces asparagine 267 with serine.
Molecular consequence: missense variant.
Genome position (GRCh38, 1-based): chr12:132,621,026, A>G. VCF-style: chr12-132621026-A-G. GRCh37 (hg19) VCF-style: chr12-133197612-A-G.
Other names: c.698A>G, p.Asn233Ser (NM_001282164.2); c.800A>G, p.Asn267Ser (NM_001282165.2, NM_170683.4, NM_174873.3); c.584A>G, p.Asn195Ser (NM_012226.5); c.728A>G, p.Asn243Ser (NM_016318.4); c.524A>G, p.Asn175Ser (NM_174872.3); short protein forms N195S, N267S, N233S, N243S, N175S.
Identifiers: ClinVar variation 505099 (VCV000505099.5), dbSNP rs1555299075, ClinGen allele CA387360947.